The following is an entry in ClinVar:

ClinVar aggregate classification (germline): Uncertain significance (1 of 4 stars; one submission).

Conditions:
Dystonic disorder. Also called: Dystonia. Identifiers: MedGen C0013421, MONDO:0003441, HP:0001332.

gnomAD v4.1: 2 of 1,614,080 alleles (0.00012%); highest among the groups gnomAD compares: Non-Finnish European, 0.00017%; no homozygotes.

Submission:

Labcorp Genetics (formerly Invitae), Labcorp
Classification: Uncertain significance for Dystonic disorder. Last evaluated: 2024-02-02. Review status: criteria provided, single submitter. Criteria: Invitae Variant Classification Sherloc (09022015). Collection method: clinical testing. Allele origin: germline.
Comment: This sequence change replaces asparagine, which is neutral and polar, with serine, which is neutral and polar, at codon 739 of the ANO3 protein (p.Asn739Ser). This variant is not present in population databases (gnomAD no frequency). This variant has not been reported in the literature in individuals affected with ANO3-related conditions. Advanced modeling of protein sequence and biophysical properties (such as structural, functional, and spatial information, amino acid conservation, physicochemical variation, residue mobility, and thermodynamic stability) performed at Invitae indicates that this missense variant is not expected to disrupt ANO3 protein function with a negative predictive value of 80%. In summary, the available evidence is currently insufficient to determine the role of this variant in disease. Therefore, it has been classified as a Variant of Uncertain Significance.

NM_031418.4(ANO3):c.2216A>G (p.Asn739Ser)

Gene: ANO3 (anoctamin 3; plus strand). Cytogenetic location: 11p14.2.
Variant type: single nucleotide variant.
Coding change: c.2216A>G on transcript NM_031418.4 (MANE Select); coding-DNA position 2216, A replaced by G.
Protein change: p.Asn739Ser; replaces asparagine 739 with serine.
Molecular consequence: missense variant.
Genome position (GRCh38, 1-based): chr11:26,641,970, A>G. VCF-style: chr11-26641970-A-G. GRCh37 (hg19) VCF-style: chr11-26663517-A-G.
Other names: c.2399A>G, p.Asn800Ser (NM_001313726.2); c.1778A>G, p.Asn593Ser (NM_001313727.2); short protein forms N739S, N593S, N800S.
Identifiers: ClinVar variation 3710234 (VCV003710234.2).